The following is an entry in ClinVar:

ClinVar aggregate classification (germline): Uncertain significance (1 of 4 stars; one submission).

Allele frequency attached by ClinVar (database versions not stated): gnomAD exomes below 0.00001.
gnomAD v4.1: 6 of 1,598,228 alleles (0.00038%); highest among the groups gnomAD compares: Non-Finnish European, 0.00051%; no homozygotes.

Submission:

Labcorp Genetics (formerly Invitae), Labcorp
Classification: Uncertain significance. Last evaluated: 2023-06-07. Review status: criteria provided, single submitter. Criteria: Invitae Variant Classification Sherloc (09022015). Collection method: clinical testing. Allele origin: germline.
Comment: An algorithm developed to predict the effect of missense changes on protein structure and function (PolyPhen-2) suggests that this variant is likely to be disruptive. This sequence change replaces glycine, which is neutral and non-polar, with glutamic acid, which is acidic and polar, at codon 419 of the PLEKHM2 protein (p.Gly419Glu). This variant is present in population databases (no rsID available, gnomAD 0.001%). This variant has not been reported in the literature in individuals affected with PLEKHM2-related conditions. In summary, the available evidence is currently insufficient to determine the role of this variant in disease. Therefore, it has been classified as a Variant of Uncertain Significance.

NM_015164.4(PLEKHM2):c.1256G>A (p.Gly419Glu)

Gene: PLEKHM2 (pleckstrin homology and RUN domain containing M2; plus strand). Cytogenetic location: 1p36.21.
Variant type: single nucleotide variant.
Coding change: c.1256G>A on transcript NM_015164.4 (MANE Select); coding-DNA position 1256, G replaced by A.
Protein change: p.Gly419Glu; replaces glycine 419 with glutamic acid.
Molecular consequence: missense variant.
Genome position (GRCh38, 1-based): chr1:15,727,328, G>A. VCF-style: chr1-15727328-G-A. GRCh37 (hg19) VCF-style: chr1-16053823-G-A.
Other names: c.1196G>A, p.Gly399Glu (NM_001410755.1); short protein forms G399E, G419E.
Identifiers: ClinVar variation 2722196 (VCV002722196.3), dbSNP rs926966510, ClinGen allele CA18299647.
Genomic context (GRCh38, chr1:15,727,328, plus strand): 5'-AGGACACCTCCATGGAGCGCTTGGGGCAGCCCCTGAGCAAGGTTATCGACCAGCTCAACG[G>A]GCAGCTGGACCCCAGCACCTGGTGCTCCCGTGCTGAGCCCCCAGACCAGTCCTTTCGGAC-3'
Protein context (NP_055979.2, residues 409-429): PLSKVIDQLN[Gly419Glu]QLDPSTWCSR